The following is an entry in ClinVar:

ClinVar aggregate classification (germline): Uncertain significance (1 of 4 stars; one submission).

Conditions:
Familial cold autoinflammatory syndrome 2 (FCAS2). Identifiers: Orphanet 247868, MedGen C2673198, MONDO:0012724, OMIM 611762.

Allele frequency attached by ClinVar (database versions not stated): gnomAD below 0.00001 and 0.00001; gnomAD exomes below 0.00001 and 0.00001; ExAC 0.00001.
gnomAD v4.1: 6 of 1,614,030 alleles (0.00037%); highest among the groups gnomAD compares: Middle Eastern, 0.016%; no homozygotes.

Submission:

Labcorp Genetics (formerly Invitae), Labcorp
Classification: Uncertain significance for Familial cold autoinflammatory syndrome 2. Last evaluated: 2020-08-02. Review status: criteria provided, single submitter. Criteria: Invitae Variant Classification Sherloc (09022015). Collection method: clinical testing. Allele origin: germline.
Comment: In summary, the available evidence is currently insufficient to determine the role of this variant in disease. Therefore, it has been classified as a Variant of Uncertain Significance. Algorithms developed to predict the effect of missense changes on protein structure and function (SIFT, PolyPhen-2, Align-GVGD) all suggest that this variant is likely to be disruptive, but these predictions have not been confirmed by published functional studies and their clinical significance is uncertain. This variant has not been reported in the literature in individuals with NLRP12-related conditions. This variant is present in population databases (rs761110604, ExAC 0.002%). This sequence change replaces leucine with proline at codon 232 of the NLRP12 protein (p.Leu232Pro). The leucine residue is highly conserved and there is a moderate physicochemical difference between leucine and proline.

NM_144687.4(NLRP12):c.695T>C (p.Leu232Pro)

Gene: NLRP12 (NLR family pyrin domain containing 12; minus strand). Cytogenetic location: 19q13.42.
Variant type: single nucleotide variant.
Coding change: c.695T>C on transcript NM_144687.4 (MANE Select); coding-DNA position 695, T replaced by C.
Protein change: p.Leu232Pro; replaces leucine 232 with proline.
Molecular consequence: missense variant.
Genome position (GRCh38, 1-based): chr19:53,810,964, A>G on the plus strand (T>C on the coding strand, the complement: NLRP12 is on the minus strand). VCF-style: chr19-53810964-A-G. GRCh37 (hg19) VCF-style: chr19-54314218-A-G.
Other names: c.695T>C, p.Leu232Pro (NM_001277126.2, NM_001277129.1); short protein forms L232P.
Identifiers: ClinVar variation 1015090 (VCV001015090.8), dbSNP rs761110604, ClinGen allele CA9639632.